The following is an entry in ClinVar:

ClinVar aggregate classification (germline): Uncertain significance. Review status: criteria provided, multiple submitters, no conflicts (2 of 4 stars). 3 submissions from 3 submitters: Uncertain significance (3). Last evaluated 2026-03-11.

Conditions:
Hereditary cancer-predisposing syndrome. Also called: Hereditary neoplastic syndrome; Tumor predisposition; Neoplastic Syndromes, Hereditary; Hereditary Cancer Syndrome. Identifiers: Orphanet 140162, MedGen C0027672, MeSH D009386, MONDO:0015356.

Allele frequency attached by ClinVar (database versions not stated): gnomAD exomes below 0.00001.
gnomAD v4.1: 1 of 1,614,104 alleles (0.000062%); highest among the groups gnomAD compares: Non-Finnish European, 0.000085%; no homozygotes.

Submissions (3):

Ambry Genetics
Classification: Uncertain significance for Hereditary cancer-predisposing syndrome. Last evaluated: 2026-03-11. Review status: criteria provided, single submitter. Criteria: Ambry Variant Classification Scheme 2023. Collection method: clinical testing. Allele origin: germline.
Comment: The p.Q125P variant (also known as c.374A>C), located in coding exon 5 of the POLE gene, results from an A to C substitution at nucleotide position 374. The glutamine at codon 125 is replaced by proline, an amino acid with similar properties. This amino acid position is conserved. In addition, the in silico prediction for this alteration is inconclusive. Based on the available evidence, the clinical significance of this variant remains unclear.

Labcorp Genetics (formerly Invitae), Labcorp
Classification: Uncertain significance. Last evaluated: 2025-07-31. Review status: criteria provided, single submitter. Criteria: Invitae Variant Classification Sherloc (09022015). Collection method: clinical testing. Allele origin: germline.
Comment: This sequence change replaces glutamine, which is neutral and polar, with proline, which is neutral and non-polar, at codon 125 of the POLE protein (p.Gln125Pro). This variant is not present in population databases (gnomAD no frequency). This variant has not been reported in the literature in individuals affected with POLE-related conditions. ClinVar contains an entry for this variant (Variation ID: 1382425). Invitae Evidence Modeling of protein sequence and biophysical properties (such as structural, functional, and spatial information, amino acid conservation, physicochemical variation, residue mobility, and thermodynamic stability) indicates that this missense variant is not expected to disrupt POLE protein function with a negative predictive value of 80%. In summary, the available evidence is currently insufficient to determine the role of this variant in disease. Therefore, it has been classified as a Variant of Uncertain Significance.

Center for Genomic Medicine, Rigshospitalet, Copenhagen University Hospital
Classification: Uncertain significance. Last evaluated: 2025-03-04. Review status: criteria provided, single submitter. Criteria: ACMG Guidelines, 2015. Collection method: clinical testing. Allele origin: germline.

NM_006231.4(POLE):c.374A>C (p.Gln125Pro)

Gene: POLE (DNA polymerase epsilon, catalytic subunit; minus strand). Cytogenetic location: 12q24.33.
Variant type: single nucleotide variant.
Coding change: c.374A>C on transcript NM_006231.4 (MANE Select); coding-DNA position 374, A replaced by C.
Protein change: p.Gln125Pro; replaces glutamine 125 with proline.
Molecular consequence: missense variant.
Genome position (GRCh38, 1-based): chr12:132,680,003, T>G on the plus strand (A>C on the coding strand, the complement: POLE is on the minus strand). VCF-style: chr12-132680003-T-G. GRCh37 (hg19) VCF-style: chr12-133256589-T-G.
Other names: c.374A>C (NM_006231.2); short protein forms Q125P.
Identifiers: ClinVar variation 1382425 (VCV001382425.8), dbSNP rs1286172788, ClinGen allele CA387368103.
Genomic context (GRCh38, chr12:132,680,003, plus strand): 5'-GTGATACTCACCAAGTCCAGATCCTCTTTGGGGACAGTCTCCACTTTTGCAATTTTGCCC[T>G]GAAACTTCTTGGAGAGAAAAGATGAAACTTCTCGCTCACAACCCTAATCAGGATCAGAAT-3'
Protein context (NP_006222.2, residues 115-135): EVSSFLSKKF[Gln125Pro]GKIAKVETVP